The following is an entry in ClinVar:

NM_006901.4(MYO9A):c.5500C>A (p.Arg1834Ser)

Gene: MYO9A (myosin IXA; minus strand). Cytogenetic location: 15q23.
Variant type: single nucleotide variant.
Coding change: c.5500C>A on transcript NM_006901.4 (MANE Select); coding-DNA position 5500, C replaced by A.
Protein change: p.Arg1834Ser; replaces arginine 1834 with serine.
Molecular consequence: missense variant.
Genome position (GRCh38, 1-based): chr15:71,880,457, G>T on the plus strand (C>A on the coding strand, the complement: MYO9A is on the minus strand). VCF-style: chr15-71880457-G-T. GRCh37 (hg19) VCF-style: chr15-72172798-G-T.
Other names: short protein forms R1834S.
Identifiers: ClinVar variation 3051380 (VCV003051380.2), dbSNP rs74475742, ClinGen allele CA7641144.

ClinVar aggregate classification (germline): Likely benign (0 of 4 stars; one submission).

Conditions:
MYO9A-related disorder. Also called: MYO9A-related condition.

Allele frequency attached by ClinVar (database versions not stated): 1000 Genomes Project 0.00060; 1000 Genomes Project 30x 0.00078.
gnomAD v4.1: 403 of 1,614,168 alleles (0.025%); highest among the groups gnomAD compares: South Asian, 0.42%; 2 homozygotes.

Submission:

PreventionGenetics, part of Exact Sciences
Classification: Likely benign for MYO9A-related condition. Last evaluated: 2024-09-08. Review status: no assertion criteria provided. Collection method: clinical testing. Allele origin: germline.
Comment: This variant is classified as likely benign based on ACMG/AMP sequence variant interpretation guidelines (Richards et al. 2015 PMID: 25741868, with internal and published modifications).